The following is an entry in ClinVar:

NM_000088.4(COL1A1):c.1076G>A (p.Gly359Glu)

Gene: COL1A1 (collagen type I alpha 1 chain; minus strand). Cytogenetic location: 17q21.33.
Variant type: single nucleotide variant.
Coding change: c.1076G>A on transcript NM_000088.4 (MANE Select); coding-DNA position 1076, G replaced by A.
Protein change: p.Gly359Glu; replaces glycine 359 with glutamic acid.
Molecular consequence: missense variant.
Genome position (GRCh38, 1-based): chr17:50,195,646, C>T on the plus strand (G>A on the coding strand, the complement: COL1A1 is on the minus strand). VCF-style: chr17-50195646-C-T. GRCh37 (hg19) VCF-style: chr17-48273007-C-T.
Other names: short protein forms G359E.
Identifiers: ClinVar variation 426120 (VCV000426120.2), dbSNP rs1085307454, ClinGen allele CA400220137.

ClinVar aggregate classification (germline): Pathogenic (1 of 4 stars; one submission).

Submission:

GeneDx
Classification: Pathogenic. Last evaluated: 2017-05-03. Review status: criteria provided, single submitter. Criteria: GeneDx Variant Classification (06012015). Collection method: clinical testing. Allele origin: germline. Affected: yes.
Comment: The G359E pathogenic variant in the COL1A1 gene has not been reported previously as a pathogenic variant nor as a benign variant, to our knowledge. The G359E variant is not observed in large population cohorts (Lek et al., 2016; 1000 Genomes Consortium et al., 2015; Exome Variant Server). The G359E variant is a non-conservative amino acid substitution, which occurs at a position that is conserved across species. In silico analysis predicts this variant is probably damaging to the protein structure/function. The G359E variant results in substitution of a Glycine residue in the Gly-X-Y repetitive motif of the triple helical region of the COL1A1 gene. In this domain, the Glycine in the triplet repeat is critical for protein folding and substitution of a triplet Glycine is a known pathogenic mechanism (Stenson et al., 2014; Symoens et al., 2012). We interpret G359E as a pathogenic variant